The following is an entry in ClinVar:

NM_005751.5(AKAP9):c.8812del (p.Ser2938fs)

Gene: AKAP9 (A-kinase anchoring protein 9; plus strand). Cytogenetic location: 7q21.2.
Variant type: Deletion.
Coding change: c.8812del on transcript NM_005751.5 (MANE Select); coding-DNA position 8812, one base deleted (T; older notation c.8812delT).
Protein change: p.Ser2938fs; shifts the reading frame from serine 2938.
Molecular consequence: frameshift variant.
Genome position (GRCh38, 1-based): chr7:92,084,920, T deleted; the last of 2 consecutive T bases (chr7:92,084,919-92,084,920); deleting either gives the same sequence. VCF-style (leftmost placement, unchanged base first): chr7-92084918-AT-A. GRCh37 (hg19) VCF-style: chr7-91714232-AT-A.
Other names: c.3457del, p.Ser1153fs (NM_001379277.1); c.8788del, p.Ser2930fs (NM_147185.3); c.8812delT (NM_005751.4); short protein forms S2930fs, S2938fs, S1153fs.
Identifiers: ClinVar variation 580880 (VCV000580880.6), dbSNP rs1563116259, ClinGen allele CA891843074.

ClinVar aggregate classification (germline): Uncertain significance (1 of 4 stars; one submission).

Conditions:
Long QT syndrome (LQTS). Identifiers: MedGen C0023976, MeSH D008133, MONDO:0002442. Disease mechanism: loss of function. Inheritance: Various modes of inheritance.

Submission:

Labcorp Genetics (formerly Invitae), Labcorp
Classification: Uncertain significance for Long QT syndrome. Last evaluated: 2018-04-05. Review status: criteria provided, single submitter. Criteria: Invitae Variant Classification Sherloc (09022015). Collection method: clinical testing. Allele origin: germline.
Comment: This sequence change creates a premature translational stop signal (p.Ser2938Profs*6) in the AKAP9 gene. It is expected to result in an absent or disrupted protein product. This variant is not present in population databases (ExAC no frequency). This variant has not been reported in the literature in individuals with AKAP9-related disease. The current clinical and genetic evidence is not sufficient to establish whether loss-of-function variants in AKAP9 cause disease. In summary, the available evidence is currently insufficient to determine the role of this variant in disease. Therefore, it has been classified as a Variant of Uncertain Significance.